The following is an entry in ClinVar:

ClinVar aggregate classification (germline): Uncertain significance. Review status: criteria provided, multiple submitters, no conflicts (2 of 4 stars). 3 submissions from 3 submitters: Uncertain significance (2). 1 of the submissions does not count toward it. Last evaluated 2025-11-24.

Conditions:
Inborn genetic diseases. Identifiers: MedGen C0950123, MeSH D030342.
Fanconi anemia (FA). Also called: Fanconi's anemia. Identifiers: Orphanet 84, MedGen C0015625, MeSH D005199, MONDO:0019391.

Allele frequency attached by ClinVar (database versions not stated): TOPMed below 0.00001; gnomAD exomes below 0.00001.
gnomAD v4.1: 2 of 1,614,112 alleles (0.00012%); highest among the groups gnomAD compares: East Asian, 0.0022%; no homozygotes.

Submissions (3):

Ambry Genetics
Classification: Uncertain significance for Inborn genetic diseases. Last evaluated: 2025-11-24. Review status: criteria provided, single submitter. Criteria: Ambry Variant Classification Scheme 2023. Collection method: clinical testing. Allele origin: germline.
Comment: The p.A810S variant (also known as c.2428G>T), located in coding exon 26 of the FANCA gene, results from a G to T substitution at nucleotide position 2428. The alanine at codon 810 is replaced by serine, an amino acid with similar properties. This amino acid position is conserved. In addition, this alteration is predicted to be tolerated by in silico analysis. Based on the available evidence, the clinical significance of this variant remains unclear.

Labcorp Genetics (formerly Invitae), Labcorp
Classification: Uncertain significance for Fanconi anemia. Last evaluated: 2019-04-14. Review status: criteria provided, single submitter. Criteria: Invitae Variant Classification Sherloc (09022015). Collection method: clinical testing. Allele origin: germline.
Comment: This sequence change replaces alanine with serine at codon 810 of the FANCA protein (p.Ala810Ser). The alanine residue is weakly conserved and there is a moderate physicochemical difference between alanine and serine. This variant is not present in population databases (ExAC no frequency). This variant has not been reported in the literature in individuals with FANCA-related conditions. Algorithms developed to predict the effect of missense changes on protein structure and function output the following: SIFT: "Tolerated"; PolyPhen-2: "Benign"; Align-GVGD: "Class C0". The serine amino acid residue is found in multiple mammalian species, suggesting that this missense change does not adversely affect protein function. These predictions have not been confirmed by published functional studies and their clinical significance is uncertain. In summary, the available evidence is currently insufficient to determine the role of this variant in disease. Therefore, it has been classified as a Variant of Uncertain Significance.

Natera, Inc.
Classification: Uncertain significance for Fanconi anemia. Last evaluated: 2020-07-23. Review status: no assertion criteria provided. Collection method: clinical testing. Allele origin: germline. Not counted in ClinVar's aggregate classification.

NM_000135.4(FANCA):c.2428G>T (p.Ala810Ser)

Gene: FANCA (FA complementation group A; minus strand). Cytogenetic location: 16q24.3.
Variant type: single nucleotide variant.
Coding change: c.2428G>T on transcript NM_000135.4 (MANE Select); coding-DNA position 2428, G replaced by T.
Protein change: p.Ala810Ser; replaces alanine 810 with serine.
Molecular consequence: missense variant.
Genome position (GRCh38, 1-based): chr16:89,769,913, C>A on the plus strand (G>T on the coding strand, the complement: FANCA is on the minus strand). VCF-style: chr16-89769913-C-A. GRCh37 (hg19) VCF-style: chr16-89836321-C-A.
Other names: c.2428G>T (NM_000135.2); c.2428G>T, p.Ala810Ser (NM_001286167.3); short protein forms A810S.
Identifiers: ClinVar variation 1055943 (VCV001055943.6), dbSNP rs1263882781, ClinGen allele CA397443525.